The following is an entry in ClinVar:

ClinVar aggregate classification (germline): Uncertain significance (1 of 4 stars; one submission).

Conditions:
Cardiovascular phenotype. Identifiers: MedGen CN230736.

gnomAD v4.1: 1 of 1,612,814 alleles (0.000062%); highest among the groups gnomAD compares: Non-Finnish European, 0.000085%; no homozygotes.

Submission:

Ambry Genetics
Classification: Uncertain significance for Cardiovascular phenotype. Last evaluated: 2024-08-19. Review status: criteria provided, single submitter. Criteria: Ambry Variant Classification Scheme 2023. Collection method: clinical testing. Allele origin: germline.
Comment: The p.W1597R variant (also known as c.4789T>C), located in coding exon 12 of the TNXB gene, results from a T to C substitution at nucleotide position 4789. The tryptophan at codon 1597 is replaced by arginine, an amino acid with dissimilar properties. This amino acid position is conserved. In addition, this alteration is predicted to be deleterious by in silico analysis. Based on the available evidence, the clinical significance of this variant remains unclear.

NM_001365276.2(TNXB):c.4789T>C (p.Trp1597Arg)

Gene: TNXB (tenascin XB; minus strand). Cytogenetic location: 6p21.33.
Variant type: single nucleotide variant.
Coding change: c.4789T>C on transcript NM_001365276.2 (MANE Select); coding-DNA position 4789, T replaced by C.
Protein change: p.Trp1597Arg; replaces tryptophan 1597 with arginine.
Molecular consequence: missense variant.
Genome position (GRCh38, 1-based): chr6:32,072,191, A>G on the plus strand (T>C on the coding strand, the complement: TNXB is on the minus strand). VCF-style: chr6-32072191-A-G. GRCh37 (hg19) VCF-style: chr6-32039968-A-G.
Other names: c.5530T>C, p.Trp1844Arg (NM_001428335.1); c.4789T>C, p.Trp1597Arg (NM_019105.8); short protein forms W1597R, W1844R.
Identifiers: ClinVar variation 3459718 (VCV003459718.1).